The following is an entry in ClinVar:

ClinVar aggregate classification (germline): Uncertain significance (1 of 4 stars; one submission).

gnomAD v4.1: 1 of 1,613,566 alleles (0.000062%); highest among the groups gnomAD compares: East Asian, 0.0022%; no homozygotes.

Submission:

Labcorp Genetics (formerly Invitae), Labcorp
Classification: Uncertain significance. Last evaluated: 2022-08-22. Review status: criteria provided, single submitter. Criteria: Invitae Variant Classification Sherloc (09022015). Collection method: clinical testing. Allele origin: germline.
Comment: This sequence change replaces serine, which is neutral and polar, with tyrosine, which is neutral and polar, at codon 74 of the CNGB3 protein (p.Ser74Tyr). This variant is not present in population databases (gnomAD no frequency). This variant has not been reported in the literature in individuals affected with CNGB3-related conditions. Advanced modeling of protein sequence and biophysical properties (such as structural, functional, and spatial information, amino acid conservation, physicochemical variation, residue mobility, and thermodynamic stability) performed at Invitae indicates that this missense variant is not expected to disrupt CNGB3 protein function. In summary, the available evidence is currently insufficient to determine the role of this variant in disease. Therefore, it has been classified as a Variant of Uncertain Significance.

NM_019098.5(CNGB3):c.221C>A (p.Ser74Tyr)

Gene: CNGB3 (cyclic nucleotide gated channel subunit beta 3; minus strand). Cytogenetic location: 8q21.3.
Variant type: single nucleotide variant.
Coding change: c.221C>A on transcript NM_019098.5 (MANE Select); coding-DNA position 221, C replaced by A.
Protein change: p.Ser74Tyr; replaces serine 74 with tyrosine.
Molecular consequence: missense variant.
Genome position (GRCh38, 1-based): chr8:86,726,648, G>T on the plus strand (C>A on the coding strand, the complement: CNGB3 is on the minus strand). VCF-style: chr8-86726648-G-T. GRCh37 (hg19) VCF-style: chr8-87738876-G-T.
Other names: short protein forms S74Y.
Identifiers: ClinVar variation 2155884 (VCV002155884.1), dbSNP rs762689312, ClinGen allele CA371456150.